The following is an entry in ClinVar:

NM_001378743.1(CYLD):c.24A>C (p.Gln8His)

Gene: CYLD (CYLD lysine 63 deubiquitinase; plus strand). Cytogenetic location: 16q12.1.
Variant type: single nucleotide variant.
Coding change: c.24A>C on transcript NM_001378743.1 (MANE Select); coding-DNA position 24, A replaced by C.
Protein change: p.Gln8His; replaces glutamine 8 with histidine.
Molecular consequence: missense variant. On other transcripts: 5 prime UTR variant (2), non-coding transcript variant (1).
Genome position (GRCh38, 1-based): chr16:50,749,722, A>C. VCF-style: chr16-50749722-A-C. GRCh37 (hg19) VCF-style: chr16-50783633-A-C.
Other names: c.24A>C, p.Gln8His (NM_001042355.2, NM_001042412.3, NM_001378744.1 and 10 more transcripts); c.-639A>C (NM_001378754.1, NM_001378755.1); short protein forms Q8H.
Identifiers: ClinVar variation 2704441 (VCV002704441.3), dbSNP rs2506775636, ClinGen allele CA395879609.

ClinVar aggregate classification (germline): Uncertain significance (1 of 4 stars; one submission).

Submission:

Labcorp Genetics (formerly Invitae), Labcorp
Classification: Uncertain significance. Last evaluated: 2023-12-20. Review status: criteria provided, single submitter. Criteria: Invitae Variant Classification Sherloc (09022015). Collection method: clinical testing. Allele origin: germline.
Comment: This sequence change replaces glutamine, which is neutral and polar, with histidine, which is basic and polar, at codon 8 of the CYLD protein (p.Gln8His). This variant is not present in population databases (gnomAD no frequency). This variant has not been reported in the literature in individuals affected with CYLD-related conditions. Advanced modeling of protein sequence and biophysical properties (such as structural, functional, and spatial information, amino acid conservation, physicochemical variation, residue mobility, and thermodynamic stability) performed at Invitae indicates that this missense variant is not expected to disrupt CYLD protein function with a negative predictive value of 80%. In summary, the available evidence is currently insufficient to determine the role of this variant in disease. Therefore, it has been classified as a Variant of Uncertain Significance.